The following is an entry in ClinVar:

NM_001101362.3(KBTBD13):c.31G>A (p.Val11Met)

Gene: KBTBD13 (kelch repeat and BTB domain containing 13; plus strand). Cytogenetic location: 15q22.31.
Variant type: single nucleotide variant.
Coding change: c.31G>A on transcript NM_001101362.3 (MANE Select); coding-DNA position 31, G replaced by A.
Protein change: p.Val11Met; replaces valine 11 with methionine.
Molecular consequence: missense variant.
Genome position (GRCh38, 1-based): chr15:65,076,846, G>A. VCF-style: chr15-65076846-G-A. GRCh37 (hg19) VCF-style: chr15-65369184-G-A.
Other names: short protein forms V11M.
Identifiers: ClinVar variation 2145147 (VCV002145147.5), dbSNP rs778942160, ClinGen allele CA7613842.
Genomic context (GRCh38, chr15:65,076,846, plus strand): 5'-CAGCGGCAGCCTCCGCCCGGCCAGCTCGCCATGGCACGGGGTCCACAGACCCTGGTGCAG[G>A]TGTGGGTGGGCGGCCAGCTCTTCCAAGCCGACCGCGCCCTGCTGGTGGAGCACTGTGGCT-3'
Protein context (NP_001094832.1, residues 1-21): MARGPQTLVQ[Val11Met]WVGGQLFQAD

ClinVar aggregate classification (germline): Uncertain significance. Review status: criteria provided, multiple submitters, no conflicts (2 of 4 stars). 2 submissions from 2 submitters: Uncertain significance (2). Last evaluated 2025-09-11.

Conditions:
Inborn genetic diseases. Identifiers: MedGen C0950123, MeSH D030342.
Nemaline myopathy 6 (NEM6). Also called: Nemaline myopathy 6, autosomal dominant. Identifiers: Orphanet 171439, MedGen C1836472, MONDO:0012237, OMIM 609273.

Allele frequency attached by ClinVar (database versions not stated): gnomAD exomes below 0.00001; gnomAD 0.00001; TOPMed 0.00001; ExAC 0.00005.
gnomAD v4.1: 6 of 1,559,088 alleles (0.00038%); highest among the groups gnomAD compares: Admixed American, 0.0018%; no homozygotes.

Submissions (2):

Ambry Genetics
Classification: Uncertain significance for Inborn genetic diseases. Last evaluated: 2025-09-11. Review status: criteria provided, single submitter. Criteria: Ambry Variant Classification Scheme 2023. Collection method: clinical testing. Allele origin: germline.

Labcorp Genetics (formerly Invitae), Labcorp
Classification: Uncertain significance for Nemaline myopathy 6. Last evaluated: 2025-05-20. Review status: criteria provided, single submitter. Criteria: Invitae Variant Classification Sherloc (09022015). Collection method: clinical testing. Allele origin: germline.
Comment: This sequence change replaces valine, which is neutral and non-polar, with methionine, which is neutral and non-polar, at codon 11 of the KBTBD13 protein (p.Val11Met). The frequency data for this variant in the population databases is considered unreliable, as metrics indicate poor data quality at this position in the gnomAD database. This variant has not been reported in the literature in individuals affected with KBTBD13-related conditions. ClinVar contains an entry for this variant (Variation ID: 2145147). Invitae Evidence Modeling of protein sequence and biophysical properties (such as structural, functional, and spatial information, amino acid conservation, physicochemical variation, residue mobility, and thermodynamic stability) has been performed for this missense variant. However, the output from this modeling did not meet the statistical confidence thresholds required to predict the impact of this variant on KBTBD13 protein function. In summary, the available evidence is currently insufficient to determine the role of this variant in disease. Therefore, it has been classified as a Variant of Uncertain Significance.